The following is an entry in ClinVar:

NM_003185.4(TAF4):c.3200T>G (p.Leu1067Ter)

Gene: TAF4 (TATA-box binding protein associated factor 4; minus strand). Cytogenetic location: 20q13.33.
Variant type: single nucleotide variant.
Coding change: c.3200T>G on transcript NM_003185.4 (MANE Select); coding-DNA position 3200, T replaced by G.
Protein change: p.Leu1067Ter; replaces leucine 1067 with a stop codon.
Molecular consequence: nonsense.
Genome position (GRCh38, 1-based): chr20:61,976,226, A>C on the plus strand (T>G on the coding strand, the complement: TAF4 is on the minus strand). VCF-style: chr20-61976226-A-C. GRCh37 (hg19) VCF-style: chr20-60551282-A-C.
Other names: short protein forms L1067*.
Identifiers: ClinVar variation 5021435 (VCV005021435.1).

ClinVar aggregate classification (germline): Likely pathogenic (1 of 4 stars; one submission).

Conditions:
Intellectual developmental disorder, autosomal dominant 73 (MRD73). Also called: TAF4-RELATED NDD; TAF4-RELATED NEURODEVELOPMENTAL DISORDER. Identifiers: MedGen C5830636, MONDO:0957536, OMIM 620450.

Submission:

Genos
Classification: Likely pathogenic for Intellectual developmental disorder, autosomal dominant 73. Last evaluated: 2026-09-16. Review status: criteria provided, single submitter. Criteria: ACMG Guidelines, 2015. Collection method: clinical testing. Allele origin: de novo. Inheritance: Autosomal dominant inheritance. Affected: yes.
Comment: The heterozygous TAF4 variant NM_003185.4:c.3200T>G p.(Leu1067*) introduces a premature termination codon at amino acid position 1067 and is predicted to truncate the protein by 18 C-terminal amino acids (~1.8% of the protein length). The variant is absent from the gnomAD v4.1.0 population database and has not been reported in the published literature. Segregation analysis by Sanger sequencing confirmed that the variant was absent in both parents, consistent with a de novo occurrence. Based on ACMG/AMP criteria with ACGS 2024 modifications, the variant was classified as likely pathogenic (PVS1_Moderate, PM2, PM6).